The following is an entry in ClinVar:

NM_001031710.3(KLHL7):c.1469A>G (p.Asn490Ser)

Gene: KLHL7 (kelch like family member 7; plus strand). Cytogenetic location: 7p15.3.
Variant type: single nucleotide variant.
Coding change: c.1469A>G on transcript NM_001031710.3 (MANE Select); coding-DNA position 1469, A replaced by G.
Protein change: p.Asn490Ser; replaces asparagine 490 with serine.
Molecular consequence: missense variant. On other transcripts: non-coding transcript variant (1).
Genome position (GRCh38, 1-based): chr7:23,173,037, A>G. VCF-style: chr7-23173037-A-G. GRCh37 (hg19) VCF-style: chr7-23212656-A-G.
Other names: c.1469A>G (NM_001031710.2); c.1325A>G, p.Asn442Ser (NM_018846.5); short protein forms N490S, N442S.
Identifiers: ClinVar variation 1970425 (VCV001970425.6), dbSNP rs747916474, ClinGen allele CA4186629.

ClinVar aggregate classification (germline): Uncertain significance. Review status: criteria provided, multiple submitters, no conflicts (2 of 4 stars). 2 submissions from 2 submitters: Uncertain significance (2). Last evaluated 2025-08-25.

Conditions:
Inborn genetic diseases. Identifiers: MedGen C0950123, MeSH D030342.

Allele frequency attached by ClinVar (database versions not stated): gnomAD exomes 0.00002; TOPMed 0.00002; ExAC 0.00002; gnomAD 0.00004.
gnomAD v4.1: 41 of 1,611,356 alleles (0.0025%); highest among the groups gnomAD compares: Non-Finnish European, 0.0028%; no homozygotes.

Submissions (2):

Labcorp Genetics (formerly Invitae), Labcorp
Classification: Uncertain significance. Last evaluated: 2025-08-25. Review status: criteria provided, single submitter. Criteria: Invitae Variant Classification Sherloc (09022015). Collection method: clinical testing. Allele origin: germline.
Comment: This sequence change replaces asparagine, which is neutral and polar, with serine, which is neutral and polar, at codon 490 of the KLHL7 protein (p.Asn490Ser). This variant is present in population databases (rs747916474, gnomAD 0.003%). This variant has not been reported in the literature in individuals affected with KLHL7-related conditions. ClinVar contains an entry for this variant (Variation ID: 1970425). An algorithm developed to predict the effect of missense changes on protein structure and function (PolyPhen-2) suggests that this variant is likely to be tolerated. In summary, the available evidence is currently insufficient to determine the role of this variant in disease. Therefore, it has been classified as a Variant of Uncertain Significance.

Ambry Genetics
Classification: Uncertain significance for Inborn genetic diseases. Last evaluated: 2024-04-26. Review status: criteria provided, single submitter. Criteria: Ambry Variant Classification Scheme 2023. Collection method: clinical testing. Allele origin: germline.